The following is an entry in ClinVar:

ClinVar aggregate classification (germline): Likely benign (1 of 4 stars; one submission).

Submission:

CeGaT Center for Human Genetics Tuebingen
Classification: Likely benign. Last evaluated: 2023-03-01. Review status: criteria provided, single submitter. Criteria: CeGaT Center For Human Genetics Tuebingen Variant Classification Criteria Version 2. Collection method: clinical testing. Allele origin: germline. Affected: yes. Observed: 1 variant allele.
Comment: RADIL: PM2:Supporting, BP4, BP7

NM_018059.5(RADIL):c.345G>C (p.Val115=)

Gene: RADIL (Rap associating with DIL domain; minus strand). Cytogenetic location: 7p22.1.
Variant type: single nucleotide variant.
Coding change: c.345G>C on transcript NM_018059.5 (MANE Select); coding-DNA position 345, G replaced by C.
Protein change: p.Val115=; no amino-acid change (valine 115 retained).
Molecular consequence: synonymous variant.
Genome position (GRCh38, 1-based): chr7:4,877,795, C>G on the plus strand (G>C on the coding strand, the complement: RADIL is on the minus strand). VCF-style: chr7-4877795-C-G. GRCh37 (hg19) VCF-style: chr7-4917426-C-G.
Identifiers: ClinVar variation 2657265 (VCV002657265.24), dbSNP rs2534361965, ClinGen allele CA453632719.